The following is an entry in ClinVar:

ClinVar aggregate classification (germline): Uncertain significance. Review status: criteria provided, single submitter (1 of 4 stars). 2 submissions from 2 submitters: Uncertain significance (1). 1 of the submissions does not count toward it. Last evaluated 2021-08-16.

Conditions:
ACOX2-related disorder. Also called: ACOX2-related condition.

Allele frequency attached by ClinVar (database versions not stated): gnomAD exomes 0.00001; ExAC 0.00002; gnomAD 0.00002; TOPMed 0.00003.
gnomAD v4.1: 10 of 1,612,086 alleles (0.00062%); highest among the groups gnomAD compares: African/African-American, 0.012%; no homozygotes.

Submissions (2):

Labcorp Genetics (formerly Invitae), Labcorp
Classification: Uncertain significance. Last evaluated: 2021-08-16. Review status: criteria provided, single submitter. Criteria: Invitae Variant Classification Sherloc (09022015). Collection method: clinical testing. Allele origin: germline.
Comment: In summary, the available evidence is currently insufficient to determine the role of this variant in disease. Therefore, it has been classified as a Variant of Uncertain Significance. Variants that disrupt the consensus splice site are a relatively common cause of aberrant splicing (PMID: 17576681, 9536098). Algorithms developed to predict the effect of sequence changes on RNA splicing suggest that this variant may create or strengthen a splice site. This variant has not been reported in the literature in individuals affected with ACOX2-related conditions. This variant is present in population databases (rs770975088, ExAC 0.02%). This sequence change falls in intron 6 of the ACOX2 gene. It does not directly change the encoded amino acid sequence of the ACOX2 protein. It affects a nucleotide within the consensus splice site of the intron.

PreventionGenetics, part of Exact Sciences
Classification: Likely benign for ACOX2-related condition. Last evaluated: 2021-08-17. Review status: no assertion criteria provided. Collection method: clinical testing. Allele origin: germline. Not counted in ClinVar's aggregate classification.
Comment: This variant is classified as likely benign based on ACMG/AMP sequence variant interpretation guidelines (Richards et al. 2015 PMID: 25741868, with internal and published modifications).

Literature cited by the submitters: PubMed 17576681 (cited by Labcorp Genetics (formerly Invitae), Labcorp); PubMed 9536098 (cited by Labcorp Genetics (formerly Invitae), Labcorp).

NM_003500.4(ACOX2):c.704-3A>C

Gene: ACOX2 (acyl-CoA oxidase 2; minus strand). Cytogenetic location: 3p14.3.
Variant type: single nucleotide variant.
Coding change: c.704-3A>C on transcript NM_003500.4 (MANE Select); 3 bases into the intron before coding-DNA position 704, A replaced by C.
Molecular consequence: intron variant.
Genome position (GRCh38, 1-based): chr3:58,531,369, T>G on the plus strand (A>C on the coding strand, the complement: ACOX2 is on the minus strand). VCF-style: chr3-58531369-T-G. GRCh37 (hg19) VCF-style: chr3-58517096-T-G.
Other names: c.704-3A>C (NM_003500.3).
Identifiers: ClinVar variation 1359865 (VCV001359865.8), dbSNP rs770975088, ClinGen allele CA2472302.